The following is an entry in ClinVar:

ClinVar aggregate classification (germline): Likely benign. Review status: criteria provided, multiple submitters, no conflicts (2 of 4 stars). 2 submissions from 2 submitters: Likely benign (2). Last evaluated 2024-04-01.

Allele frequency attached by ClinVar (database versions not stated): gnomAD 0.00001; gnomAD exomes 0.00001; TOPMed 0.00001.
gnomAD v4.1: 23 of 1,614,022 alleles (0.0014%); highest among the groups gnomAD compares: Non-Finnish European, 0.0017%; no homozygotes.

Submissions (2):

CeGaT Center for Human Genetics Tuebingen
Classification: Likely benign. Last evaluated: 2024-04-01. Review status: criteria provided, single submitter. Criteria: CeGaT Center For Human Genetics Tuebingen Variant Classification Criteria Version 2. Collection method: clinical testing. Allele origin: germline. Affected: yes. Observed: 1 variant allele.
Comment: EHHADH: BP4, BP7

Blueprint Genetics
Classification: Likely benign. Last evaluated: 2023-01-17. Review status: criteria provided, single submitter. Criteria: ACMG Guidelines, 2015. Collection method: clinical testing. Allele origin: germline.

NM_001966.4(EHHADH):c.1572T>G (p.Leu524=)

Gene: EHHADH (enoyl-CoA hydratase and 3-hydroxyacyl CoA dehydrogenase; minus strand). Cytogenetic location: 3q27.2.
Variant type: single nucleotide variant.
Coding change: c.1572T>G on transcript NM_001966.4 (MANE Select); coding-DNA position 1572, T replaced by G.
Protein change: p.Leu524=; no amino-acid change (leucine 524 retained).
Molecular consequence: synonymous variant.
Genome position (GRCh38, 1-based): chr3:185,192,826, A>C on the plus strand (T>G on the coding strand, the complement: EHHADH is on the minus strand). VCF-style: chr3-185192826-A-C. GRCh37 (hg19) VCF-style: chr3-184910614-A-C.
Other names: c.1284T>G, p.Leu428= (NM_001166415.2).
Identifiers: ClinVar variation 3234585 (VCV003234585.21), dbSNP rs1445594585, ClinGen allele CA437629835.